The following is an entry in ClinVar:

ClinVar aggregate classification (germline): Benign/Likely benign. Review status: criteria provided, multiple submitters, no conflicts (2 of 4 stars). 2 submissions from 2 submitters: Benign (1); Likely benign (1). Last evaluated 2022-02-06.

Allele frequency attached by ClinVar (database versions not stated): ExAC 0.00002; ESP Exome Variant Server 0.00009.
gnomAD v4.1: 27 of 1,205,081 alleles (0.0022%); highest among the groups gnomAD compares: African/African-American, 0.044%; no homozygotes.

Submissions (2):

Labcorp Genetics (formerly Invitae), Labcorp
Classification: Benign. Last evaluated: 2022-02-06. Review status: criteria provided, single submitter. Criteria: Invitae Variant Classification Sherloc (09022015). Collection method: clinical testing. Allele origin: germline.

Laboratory for Molecular Medicine, Mass General Brigham Personalized Medicine
Classification: Likely benign. Last evaluated: 2012-04-30. Review status: criteria provided, single submitter. Criteria: LMM Criteria. Collection method: clinical testing. Allele origin: germline. Observed: 1 variant allele.
Comment: Pro83Pro in Exon 01 of POU3F4: This variant is not expected to have clinical significance because it does not alter an amino acid residue, is not located within the splice consensus sequence, and has been identified in 1/3204 African American chromosomes from a broad population by the NHLBI Exome Sequencing Project.

NM_000307.5(POU3F4):c.249C>A (p.Pro83=)

Gene: POU3F4 (POU class 3 homeobox 4; plus strand). Cytogenetic location: Xq21.1.
Variant type: single nucleotide variant.
Coding change: c.249C>A on transcript NM_000307.5 (MANE Select); coding-DNA position 249, C replaced by A.
Protein change: p.Pro83=; no amino-acid change (proline 83 retained).
Molecular consequence: synonymous variant.
Genome position (GRCh38, 1-based): chrX:83,508,573, C>A. VCF-style: chrX-83508573-C-A. GRCh37 (hg19) VCF-style: chrX-82763581-C-A.
Identifiers: ClinVar variation 1120056 (VCV001120056.9), dbSNP rs370722742, ClinGen allele CA10462754.
Genomic context (GRCh38, chrX:83,508,573, plus strand): 5'-CGGGGGCCCATGGTCCTCCACACTGGCCACCAGCCCCCTGGACCAGCAGGACGTGAAGCC[C>A]GGGCGCGAAGACCTGCAACTGGGTGCGATCATCCATCACCGCTCGCCACACGTAGCCCAC-3'
Protein context (NP_000298.3, residues 73-93): TSPLDQQDVK[Pro83=]GREDLQLGAI